The following is an entry in ClinVar:

ClinVar aggregate classification (germline): Uncertain significance (1 of 4 stars; one submission).

Allele frequency attached by ClinVar (database versions not stated): ExAC 0.00001.
gnomAD v4.1: 1 of 1,613,958 alleles (0.000062%); no homozygotes.

Submission:

Labcorp Genetics (formerly Invitae), Labcorp
Classification: Uncertain significance. Last evaluated: 2025-06-09. Review status: criteria provided, single submitter. Criteria: Invitae Variant Classification Sherloc (09022015). Collection method: clinical testing. Allele origin: germline.
Comment: This sequence change replaces tryptophan, which is neutral and slightly polar, with glycine, which is neutral and non-polar, at codon 18 of the IL12RB2 protein (p.Trp18Gly). This variant is present in population databases (rs751550346, gnomAD 0.006%). This variant has not been reported in the literature in individuals affected with IL12RB2-related conditions. ClinVar contains an entry for this variant (Variation ID: 1988758). An algorithm developed to predict the effect of missense changes on protein structure and function (PolyPhen-2) suggests that this variant is likely to be disruptive. In summary, the available evidence is currently insufficient to determine the role of this variant in disease. Therefore, it has been classified as a Variant of Uncertain Significance.

NM_001374259.2(IL12RB2):c.52T>G (p.Trp18Gly)

Gene: IL12RB2 (interleukin 12 receptor subunit beta 2; plus strand). Cytogenetic location: 1p31.3.
Variant type: single nucleotide variant.
Coding change: c.52T>G on transcript NM_001374259.2 (MANE Select); coding-DNA position 52, T replaced by G.
Protein change: p.Trp18Gly; replaces tryptophan 18 with glycine.
Molecular consequence: missense variant. On other transcripts: non-coding transcript variant (2).
Genome position (GRCh38, 1-based): chr1:67,320,420, T>G. VCF-style: chr1-67320420-T-G. GRCh37 (hg19) VCF-style: chr1-67786103-T-G.
Other names: c.52T>G, p.Trp18Gly (NM_001258214.1, NM_001258215.1, NM_001258216.1 and 2 more transcripts); short protein forms W18G.
Identifiers: ClinVar variation 1988758 (VCV001988758.4), dbSNP rs751550346, ClinGen allele CA900099.